The following is an entry in ClinVar:

ClinVar aggregate classification (germline): Uncertain significance (0 of 4 stars; one submission).

Submission:

Biesecker Lab/Clinical Genomics Section, National Institutes of Health
Classification: Uncertain significance. Last evaluated: 2012-07-13. Review status: no assertion criteria provided. Collection method: research. Allele origin: germline. Affected: no. Observed: 1 variant allele. Study: ClinSeq.
ClinVar note: Converted during submission from variant of unknown significance to Uncertain significance.

NM_000038.6(APC):c.5170C>G (p.Leu1724Val)

Gene: APC (APC regulator of WNT signaling pathway; plus strand). Cytogenetic location: 5q22.2.
Variant type: single nucleotide variant.
Coding change: c.5170C>G on transcript NM_000038.6 (MANE Select); coding-DNA position 5170, C replaced by G.
Protein change: p.Leu1724Val; replaces leucine 1724 with valine.
Molecular consequence: missense variant.
Genome position (GRCh38, 1-based): chr5:112,840,764, C>G. VCF-style: chr5-112840764-C-G. GRCh37 (hg19) VCF-style: chr5-112176461-C-G.
Other names: c.5170C>G (LRG_130t1); c.5170C>G, p.Leu1724Val (NM_001127510.3, NM_001354895.2); c.5116C>G, p.Leu1706Val (NM_001127511.3); c.5224C>G, p.Leu1742Val (NM_001354896.2); c.5200C>G, p.Leu1734Val (NM_001354897.2); c.5095C>G, p.Leu1699Val (NM_001354898.2); c.5086C>G, p.Leu1696Val (NM_001354899.2); c.5047C>G, p.Leu1683Val (NM_001354900.2); and 6 more; short protein forms L1724V, L1706V, L1598V, L1623V, L1633V, L1683V, L1699V, L1742V.
Identifiers: ClinVar variation 41507 (VCV000041507.2), dbSNP rs201415309, ClinGen allele CA009899.